The following is an entry in ClinVar:

ClinVar aggregate classification (germline): Uncertain significance. Review status: criteria provided, multiple submitters, no conflicts (2 of 4 stars). 2 submissions from 2 submitters: Uncertain significance (2). Last evaluated 2026-09-17.

Conditions:
TTN-related disorder. Also called: TTN-related disorders; TTN-related condition; TTN-related disease.
Cardiovascular phenotype. Identifiers: MedGen CN230736.

Allele frequency attached by ClinVar (database versions not stated): ExAC 0.00002; gnomAD 0.00003; TOPMed 0.00004.
gnomAD v4.1: 8 of 1,613,568 alleles (0.0005%); highest among the groups gnomAD compares: African/African-American, 0.008%; no homozygotes.

Submissions (2):

PreventionGenetics, part of Exact Sciences
Classification: Uncertain significance for TTN-related condition. Last evaluated: 2026-09-17. Review status: criteria provided, single submitter. Criteria: ACMG Guidelines, 2015. Collection method: clinical testing. Allele origin: germline.
Comment: The TTN c.13280T>C variant is predicted to result in the amino acid substitution p.Val4427Ala. To our knowledge, this variant has not been reported in the literature. This variant is reported in 0.0065% of alleles in individuals of African descent in gnomAD. At this time, the clinical significance of this variant is uncertain due to the absence of conclusive functional and genetic evidence.

Ambry Genetics
Classification: Uncertain significance for Cardiovascular phenotype. Last evaluated: 2019-08-22. Review status: criteria provided, single submitter. Criteria: Ambry Variant Classification Scheme 2023. Collection method: clinical testing. Allele origin: germline.
Comment: The p.V4064A variant (also known as c.12191T>C), located in coding exon 44 of the TTN gene, results from a T to C substitution at nucleotide position 12191. The valine at codon 4064 is replaced by alanine, an amino acid with similar properties. This amino acid position is well conserved in available vertebrate species. In addition, this alteration is predicted to be tolerated by in silico analysis. Since supporting evidence is limited at this time, the clinical significance of this alteration remains unclear.

NM_001267550.2(TTN):c.13280T>C (p.Val4427Ala)

Gene: TTN (titin; minus strand). Cytogenetic location: 2q31.2.
Variant type: single nucleotide variant.
Coding change: c.13280T>C on transcript NM_001267550.2 (MANE Select); coding-DNA position 13280, T replaced by C.
Protein change: p.Val4427Ala; replaces valine 4427 with alanine.
Molecular consequence: missense variant. On other transcripts: intron variant (1).
Genome position (GRCh38, 1-based): chr2:178,739,953, A>G on the plus strand (T>C on the coding strand, the complement: TTN is on the minus strand). VCF-style: chr2-178739953-A-G. GRCh37 (hg19) VCF-style: chr2-179604680-A-G.
Other names: c.12329T>C, p.Val4110Ala (NM_001256850.1); c.12191T>C, p.Val4064Ala (NM_003319.4); c.12566T>C, p.Val4189Ala (NM_133432.3); c.12767T>C, p.Val4256Ala (NM_133437.4); c.10361-1593T>C (NM_133378.4); short protein forms V4064A, V4110A, V4189A, V4256A, V4427A.
Identifiers: ClinVar variation 1752327 (VCV001752327.3), dbSNP rs762973399, ClinGen allele CA2002603.
Genomic context (GRCh38, chr2:178,739,953, plus strand): 5'-GAAGTAACAAGGTACATGCACATGATGTGTCTGGGCTCTTGGGTGATGTTTACAGCCTCG[A>G]CCTCCACCTTTTCAATATTTCTTAGCCACTCAGAGAAAAGACCTGGCTGCTCGCTGGCCA-3'
Protein context (NP_001254479.2, residues 4417-4437): EWLRNIEKVE[Val4427Ala]EAVNITQEPR